The following is an entry in ClinVar:

NM_004985.5(KRAS):c.-27C>T

Genes: KRAS (KRAS proto-oncogene, GTPase; minus strand), LOC130007561 (ATAC-STARR-seq lymphoblastoid silent region 4294; plus strand). Cytogenetic location: 12p12.1.
Variant type: single nucleotide variant.
Coding change: c.-27C>T on transcript NM_004985.5 (MANE Select); 27 bases upstream of the start codon, C replaced by T.
Molecular consequence: 5 prime UTR variant.
Genome position (GRCh38, 1-based): chr12:25,250,766, G>A on the plus strand (C>T on the coding strand, the complement: KRAS is on the minus strand). VCF-style: chr12-25250766-G-A. GRCh37 (hg19) VCF-style: chr12-25403700-G-A.
Other names: c.-14C>T (NM_001369786.1, NM_001369787.1); c.-27C>T (NM_033360.4).
Identifiers: ClinVar variation 138063 (VCV000138063.4), dbSNP rs587781013, ClinGen allele CA176497.

ClinVar aggregate classification (germline): Benign/Likely benign. Review status: criteria provided, multiple submitters, no conflicts (2 of 4 stars). 2 submissions from 2 submitters: Benign (1); Likely benign (1). Last evaluated 2014-05-01.

Allele frequency attached by ClinVar (database versions not stated): gnomAD 0.00006 and 0.00015; TOPMed 0.00014 and 0.00018.
gnomAD v4.1: 42 of 201,296 alleles (0.021%); highest among the groups gnomAD compares: Admixed American, 0.024%; no homozygotes.

Submissions (2):

GeneDx
Classification: Benign. Last evaluated: 2014-05-01. Review status: criteria provided, single submitter. Criteria: GeneDx Variant Classification (06012015). Collection method: clinical testing. Allele origin: germline. Affected: yes.
Comment: This variant is considered likely benign or benign based on one or more of the following criteria: it is a conservative change, it occurs at a poorly conserved position in the protein, it is predicted to be benign by multiple in silico algorithms, and/or has population frequency not consistent with disease.

Laboratory for Molecular Medicine, Mass General Brigham Personalized Medicine
Classification: Likely benign. Last evaluated: 2011-06-21. Review status: criteria provided, single submitter. Criteria: LMM Criteria. Collection method: clinical testing. Allele origin: germline. Observed: 1 variant allele.
Comment: -27C>T in KRAS 5'UTR (exon 1): The -27C>T variant in KRAS has not been previousl y reported in the literature nor been identified by our laboratory. This variant occurs in the 5' UTR. Although mutations in the 5' UTRs of genes have been show n to affect gene regulation, no pathogenic mutations in the 5' UTR of KRAS have been reported to date. Therefore, this variant is likely benign, although we ca nnot rule out that it could contribute to the clinical features observed in this individual.